The following is an entry in ClinVar:

ClinVar aggregate classification (germline): Conflicting classifications of pathogenicity. Review status: criteria provided, conflicting classifications (1 of 4 stars). 5 submissions from 5 submitters: Uncertain significance (1); Benign (1); Likely benign (2). 1 of the submissions does not count toward it. Last evaluated 2026-01-03.

Conditions:
Hereditary acrodermatitis enteropathica (AEZ). Also called: Acrodermatitis enteropathica. Identifiers: Orphanet 37, MedGen C0221036, MONDO:0008713, OMIM 201100.

gnomAD v4.1: 93 of 1,607,658 alleles (0.0058%); highest among the groups gnomAD compares: Middle Eastern, 0.034%; 2 homozygotes.

Submissions (5):

Labcorp Genetics (formerly Invitae), Labcorp
Classification: Benign. Last evaluated: 2026-01-03. Review status: criteria provided, single submitter. Criteria: Invitae Variant Classification Sherloc (09022015). Collection method: clinical testing. Allele origin: germline.

Blueprint Genetics
Classification: Likely benign. Last evaluated: 2024-03-25. Review status: criteria provided, single submitter. Criteria: ACMG Guidelines, 2015. Collection method: clinical testing. Allele origin: germline.

CeGaT Center for Human Genetics Tuebingen
Classification: Likely benign. Last evaluated: 2023-05-01. Review status: criteria provided, single submitter. Criteria: CeGaT Center For Human Genetics Tuebingen Variant Classification Criteria Version 2. Collection method: clinical testing. Allele origin: germline. Affected: yes. Observed: 1 variant allele.
Comment: SLC39A4: BP4

Illumina Laboratory Services, Illumina
Classification: Uncertain significance for Hereditary acrodermatitis enteropathica. Last evaluated: 2018-01-12. Review status: criteria provided, single submitter. Criteria: ICSL Variant Classification Criteria 13 December 2019. Collection method: clinical testing. Allele origin: germline.

Natera, Inc.
Classification: Uncertain significance for Acrodermatitis enteropathica. Last evaluated: 2020-02-13. Review status: no assertion criteria provided. Collection method: clinical testing. Allele origin: germline. Not counted in ClinVar's aggregate classification.

NM_130849.4(SLC39A4):c.1149+8C>T

Gene: SLC39A4 (solute carrier family 39 member 4; minus strand). Cytogenetic location: 8q24.3.
Variant type: single nucleotide variant.
Coding change: c.1149+8C>T on transcript NM_130849.4 (MANE Select); 8 bases into the intron after coding-DNA position 1149, C replaced by T.
Molecular consequence: intron variant.
Genome position (GRCh38, 1-based): chr8:144,414,254, G>A on the plus strand (C>T on the coding strand, the complement: SLC39A4 is on the minus strand). VCF-style: chr8-144414254-G-A. GRCh37 (hg19) VCF-style: chr8-145639638-G-A.
Other names: c.867+8C>T (NM_001374839.1); c.1074+8C>T (NM_017767.3).
Identifiers: ClinVar variation 752533 (VCV000752533.39), dbSNP rs376765006, ClinGen allele CA4941384.
Genomic context (GRCh38, chr8:144,414,254, plus strand): 5'-GGAGGGCACGGCCTGGGAGTCCATGGTGGGGAACGGAGGGCCAGGGTCGCGGGTTTGTGG[G>A]GGCAGACCTTGGGCGTCAGATGCAGGACAGCGTCCCCAGTGACTGCACCCACTGCCAGGC-3'